The following is an entry in ClinVar:

GRCh37/hg19 Xp21.1(chrX:32419533-37487291)x1

Genes: CFAP47 (cilia and flagella associated protein 47; plus strand), CXorf22 (chromosome X open reading frame 22; plus strand), CXorf30 (chromosome X open reading frame 30; plus strand), DMD (dystrophin; minus strand), FAM47A (family with sequence similarity 47 member A; minus strand) and 6 more. Cytogenetic location: Xp21.1.
Variant type: copy number loss.
Change: copy number 1 of chrX:32,419,533-37,487,291 (5.07 Mb, GRCh37 coordinates, 1-based), cytogenetic band Xp21.1.
Identifiers: ClinVar variation 1808493 (VCV001808493.1).

ClinVar aggregate classification (germline): Pathogenic (1 of 4 stars; one submission).

Submission:

Quest Diagnostics Nichols Institute San Juan Capistrano
Classification: Pathogenic. Last evaluated: 2022-01-18. Review status: criteria provided, single submitter. Criteria: ACMG/ClinGen CNV Guidelines, 2019. Collection method: clinical testing. Allele origin: unknown.
Comment: This imbalance may cause phenotypic and/or developmental abnormalities. It includes several genes, with particular importance to the multiple exons deleted on the 5' end of the DMD gene. The deletion affects several long transcripts of the DMD gene (OMIM 300377). Whole gene and intragenic DMD deletions, as well as intragenic duplications and sequence-level mutations, have been identified in a spectrum of muscle diseases known as the dystrophinopathies; Duchenne Muscular Dystrophy (DMD; OMIM 310200), Becker Muscular Dystrophy (BMD; OMIM 300376), and dilated cardiomyopathy 3B (CMD3B; OMIM 302045), all of which involve progressive deterioration of muscle tissue and resultant weakness. The phenotype is best correlated with the degree of dystrophin protein expression. Dystrophinopathies are X-linked recessive disorders however manifesting carriers may demonstrate variable degrees of symptoms (mild, moderate, or severe musculardystrophy) depending, in part, on patterns of X-chromosome inactivation. Carrier females might be at risk for dilated cardiomyopathy (DCM) (Darras BT et al., GeneReviews [Internet]. Available from an online resource; FlaniganKM et al., Hum Mutat. 2009 Dec;30(12):1657-66. PMID: 19937601).